The following is an entry in ClinVar:

NM_000038.6(APC):c.3353A>G (p.Asn1118Ser)

Gene: APC (APC regulator of Wnt signaling pathway; plus strand). Cytogenetic location: 5q22.2.
Variant type: single nucleotide variant.
Coding change: c.3353A>G on transcript NM_000038.6 (MANE Select); coding-DNA position 3353, A replaced by G.
Protein change: p.Asn1118Ser; replaces asparagine 1118 with serine.
Molecular consequence: missense variant.
Genome position (GRCh38, 1-based): chr5:112,838,947, A>G. VCF-style: chr5-112838947-A-G. GRCh37 (hg19) VCF-style: chr5-112174644-A-G.
Other names: c.3353A>G, p.Asn1118Ser (NM_001127510.3, NM_001354895.2); c.3299A>G, p.Asn1100Ser (NM_001127511.3); c.3407A>G, p.Asn1136Ser (NM_001354896.2); c.3383A>G, p.Asn1128Ser (NM_001354897.2); c.3278A>G, p.Asn1093Ser (NM_001354898.2); c.3269A>G, p.Asn1090Ser (NM_001354899.2); c.3230A>G, p.Asn1077Ser (NM_001354900.2); c.3176A>G, p.Asn1059Ser (NM_001354901.2); and 5 more; short protein forms N1118S, N1100S, N1017S, N1093S, N835S, N1027S, N1090S, N1128S.
Identifiers: ClinVar variation 537440 (VCV000537440.12), dbSNP rs752011683, ClinGen allele CA16028677.

ClinVar aggregate classification (germline): Uncertain significance. Review status: criteria provided, multiple submitters, no conflicts (2 of 4 stars). 2 submissions from 2 submitters: Uncertain significance (2). Last evaluated 2020-08-20.

Conditions:
Hereditary cancer-predisposing syndrome. Also called: Tumor predisposition; Hereditary Cancer Syndrome; Hereditary neoplastic syndrome; Neoplastic Syndromes, Hereditary. Identifiers: Orphanet 140162, MedGen C0027672, MeSH D009386, MONDO:0015356.
Familial adenomatous polyposis 1 (FAP1). Also called: FAMILIAL ADENOMATOUS POLYPOSIS 1, ATTENUATED; POLYPOSIS, ADENOMATOUS INTESTINAL. Identifiers: MedGen C2713442, MONDO:0021056, OMIM 175100. Disease mechanism: loss of function.

Submissions (2):

Labcorp Genetics (formerly Invitae), Labcorp
Classification: Uncertain significance for Familial adenomatous polyposis 1. Last evaluated: 2020-08-20. Review status: criteria provided, single submitter. Criteria: Invitae Variant Classification Sherloc (09022015). Collection method: clinical testing. Allele origin: germline.
Comment: Algorithms developed to predict the effect of missense changes on protein structure and function output the following: SIFT: "Tolerated"; PolyPhen-2: "Benign"; Align-GVGD: "Class C0". The serine amino acid residue is found in multiple mammalian species, suggesting that this missense change does not adversely affect protein function. These predictions have not been confirmed by published functional studies and their clinical significance is uncertain. This sequence change replaces asparagine with serine at codon 1118 of the APC protein (p.Asn1118Ser). The asparagine residue is moderately conserved and there is a small physicochemical difference between asparagine and serine. This variant is not present in population databases (ExAC no frequency). This variant has not been reported in the literature in individuals with APC-related conditions. ClinVar contains an entry for this variant (Variation ID: 537440). In summary, the available evidence is currently insufficient to determine the role of this variant in disease. Therefore, it has been classified as a Variant of Uncertain Significance.

Ambry Genetics
Classification: Uncertain significance for Hereditary cancer-predisposing syndrome. Last evaluated: 2020-03-18. Review status: criteria provided, single submitter. Criteria: Ambry Variant Classification Scheme 2023. Collection method: clinical testing. Allele origin: germline.
Comment: The p.N1118S variant (also known as c.3353A>G), located in coding exon 15 of the APC gene, results from an A to G substitution at nucleotide position 3353. The asparagine at codon 1118 is replaced by serine, an amino acid with highly similar properties. This amino acid position is not well conserved in available vertebrate species. In addition, in silico predictors for this gene do not accurately predict pathogenicity. Since supporting evidence is limited at this time, the clinical significance of this alteration remains unclear.